The following is an entry in ClinVar:

ClinVar aggregate classification (germline): Pathogenic (1 of 4 stars; one submission).

Conditions:
Pallister-Hall syndrome (PHS). Also called: HYPOTHALAMIC HAMARTOBLASTOMA, HYPOPITUITARISM, IMPERFORATE ANUS, AND POSTAXIAL POLYDACTYLY; GLI3-Related Pallister-Hall Syndrome. Identifiers: Orphanet 672, MedGen C0265220, MONDO:0007804, OMIM 146510.
Greig cephalopolysyndactyly syndrome (GCPS). Also called: POLYSYNDACTYLY WITH PECULIAR SKULL SHAPE; GLI3-Related Greig Cephalopolysyndactyly Syndrome; Greig syndrome. Identifiers: Orphanet 380, MedGen C0265306, MONDO:0008287, OMIM 175700.

Submission:

Labcorp Genetics (formerly Invitae), Labcorp
Classification: Pathogenic for Pallister-Hall syndrome; Greig cephalopolysyndactyly syndrome. Last evaluated: 2020-03-04. Review status: criteria provided, single submitter. Criteria: Invitae Variant Classification Sherloc (09022015). Collection method: clinical testing. Allele origin: germline.
Comment: Loss-of-function variants in GLI3 are known to be pathogenic (PMID: 10441570, 15739154, 18000979, 24736735). This sequence change creates a premature translational stop signal (p.Ala697Glufs*5) in the GLI3 gene. It is expected to result in an absent or disrupted protein product. This variant is not present in population databases (ExAC no frequency). This variant has not been reported in the literature in individuals with GLI3-related conditions. For these reasons, this variant has been classified as Pathogenic.

Literature cited by the submitters: PubMed 10441570; PubMed 15739154; PubMed 18000979; PubMed 24736735.

NM_000168.6(GLI3):c.2090del (p.Ala697fs)

Gene: GLI3 (GLI family zinc finger 3; minus strand). Cytogenetic location: 7p14.1.
Variant type: Deletion.
Coding change: c.2090del on transcript NM_000168.6 (MANE Select); coding-DNA position 2090, one base deleted (C; older notation c.2090delC).
Protein change: p.Ala697fs; shifts the reading frame from alanine 697.
Molecular consequence: frameshift variant.
Genome position (GRCh38, 1-based): chr7:41,972,350, G deleted on the plus strand (C on the coding strand, the reverse complement: GLI3 is on the minus strand). VCF-style (leftmost placement, unchanged base first): chr7-41972349-TG-T. GRCh37 (hg19) VCF-style: chr7-42011948-TG-T.
Other names: short protein forms A697fs.
Identifiers: ClinVar variation 1072899 (VCV001072899.7), dbSNP rs2128709888, ClinGen allele CA2499218887.
Genomic context (GRCh38, chr7:41,972,349, plus strand): 5'-CTTTTAAATGGGCCTGCTGTGAAGTCAGAAGGAGAGTGAATGACATACCATTGGCTTCTC[TG>T]CCTTGACGGTTTTCACCTGGAGGCATTCTTCCCGCTTTGAGGTAGTGTTGCTGAGGTCCT-3'